The following is an entry in ClinVar:

ClinVar aggregate classification (germline): Uncertain significance. Review status: criteria provided, multiple submitters, no conflicts (2 of 4 stars). 2 submissions from 2 submitters: Uncertain significance (2). Last evaluated 2025-06-01.

Conditions:
Familial thoracic aortic aneurysm and aortic dissection (TAAD). Also called: Thoracic aortic aneurysms and dissections. Identifiers: Orphanet 91387, MedGen C4707243, MONDO:0019625.

Allele frequency attached by ClinVar (database versions not stated): gnomAD exomes below 0.00001; TOPMed below 0.00001.
gnomAD v4.1: 3 of 1,613,942 alleles (0.00019%); highest among the groups gnomAD compares: Non-Finnish European, 0.00025%; no homozygotes.

Submissions (2):

Ambry Genetics
Classification: Uncertain significance for Familial thoracic aortic aneurysm and aortic dissection. Last evaluated: 2025-06-01. Review status: criteria provided, single submitter. Criteria: Ambry Variant Classification Scheme 2023. Collection method: clinical testing. Allele origin: germline.
Comment: The p.D1342N variant (also known as c.4024G>A), located in coding exon 21 of the MYLK gene, results from a G to A substitution at nucleotide position 4024. The aspartic acid at codon 1342 is replaced by asparagine, an amino acid with highly similar properties. This amino acid position is conserved. In addition, this alteration is predicted to be tolerated by in silico analysis. Based on the available evidence, the clinical significance of this variant remains unclear.

Department of Pathology and Laboratory Medicine, Sinai Health System
Classification: Uncertain significance for familial thoracic aortic aneurysm and aortic dissection. Last evaluated: 2021-03-31. Review status: criteria provided, single submitter. Criteria: ACMG Guidelines, 2015. Collection method: research. Allele origin: germline.

NM_053025.4(MYLK):c.4024G>A (p.Asp1342Asn)

Gene: MYLK (myosin light chain kinase; minus strand). Cytogenetic location: 3q21.1.
Variant type: single nucleotide variant.
Coding change: c.4024G>A on transcript NM_053025.4 (MANE Select); coding-DNA position 4024, G replaced by A.
Protein change: p.Asp1342Asn; replaces aspartic acid 1342 with asparagine.
Molecular consequence: missense variant.
Genome position (GRCh38, 1-based): chr3:123,657,390, C>T on the plus strand (G>A on the coding strand, the complement: MYLK is on the minus strand). VCF-style: chr3-123657390-C-T. GRCh37 (hg19) VCF-style: chr3-123376237-C-T.
Other names: c.3496G>A, p.Asp1166Asn (NM_001321309.2); c.3817G>A, p.Asp1273Asn (NM_053026.4, NM_053028.4); c.4024G>A, p.Asp1342Asn (NM_053027.4); short protein forms D1166N, D1342N, D1273N.
Identifiers: ClinVar variation 2239100 (VCV002239100.4), dbSNP rs767393963, ClinGen allele CA354228297.